The following is an entry in ClinVar:

NM_001365951.3(KIF1B):c.5277G>C (p.Gln1759His)

Gene: KIF1B (kinesin family member 1B; plus strand). Cytogenetic location: 1p36.22.
Variant type: single nucleotide variant.
Coding change: c.5277G>C on transcript NM_001365951.3 (MANE Select); coding-DNA position 5277, G replaced by C.
Protein change: p.Gln1759His; replaces glutamine 1759 with histidine.
Molecular consequence: missense variant.
Genome position (GRCh38, 1-based): chr1:10,375,034, G>C. VCF-style: chr1-10375034-G-C. GRCh37 (hg19) VCF-style: chr1-10435092-G-C.
Other names: c.5277G>C, p.Gln1759His (NM_001365952.1); c.5139G>C, p.Gln1713His (NM_015074.3); short protein forms Q1713H, Q1759H.
Identifiers: ClinVar variation 2869876 (VCV002869876.4), dbSNP rs2102363484, ClinGen allele CA338330966.

ClinVar aggregate classification (germline): Uncertain significance. Review status: criteria provided, multiple submitters, no conflicts (2 of 4 stars). 2 submissions from 2 submitters: Uncertain significance (2). Last evaluated 2025-11-30.

Conditions:
Charcot-Marie-Tooth disease type 2. Also called: Charcot-Marie-Tooth type 2. Identifiers: Orphanet 64746, MedGen C0270914, MONDO:0018993.

Submissions (2):

Labcorp Genetics (formerly Invitae), Labcorp
Classification: Uncertain significance for Charcot-Marie-Tooth disease type 2. Last evaluated: 2025-11-30. Review status: criteria provided, single submitter. Criteria: Invitae Variant Classification Sherloc (09022015). Collection method: clinical testing. Allele origin: germline.
Comment: This sequence change replaces glutamine, which is neutral and polar, with histidine, which is basic and polar, at codon 1713 of the KIF1B protein (p.Gln1713His). This variant is not present in population databases (gnomAD no frequency). This variant has not been reported in the literature in individuals affected with KIF1B-related conditions. ClinVar contains an entry for this variant (Variation ID: 2869876). An algorithm developed to predict the effect of missense changes on protein structure and function (PolyPhen-2) suggests that this variant is likely to be disruptive. In summary, the available evidence is currently insufficient to determine the role of this variant in disease. Therefore, it has been classified as a Variant of Uncertain Significance.

Ambry Genetics
Classification: Uncertain significance. Last evaluated: 2025-11-16. Review status: criteria provided, single submitter. Criteria: Ambry Variant Classification Scheme 2023. Collection method: clinical testing. Allele origin: germline.
Comment: The p.Q1713H variant (also known as c.5139G>C), located in coding exon 44 of the KIF1B gene, results from a G to C substitution at nucleotide position 5139. The glutamine at codon 1713 is replaced by histidine, an amino acid with highly similar properties. This amino acid position is conserved. In addition, this alteration is predicted to be tolerated by in silico analysis. Based on the available evidence, the clinical significance of this variant remains unclear.